The following is an entry in ClinVar:

NM_003240.5(LEFTY2):c.877T>G (p.Cys293Gly)

Gene: LEFTY2 (left-right determination factor 2; minus strand). Cytogenetic location: 1q42.12.
Variant type: single nucleotide variant.
Coding change: c.877T>G on transcript NM_003240.5 (MANE Select); coding-DNA position 877, T replaced by G.
Protein change: p.Cys293Gly; replaces cysteine 293 with glycine.
Molecular consequence: missense variant.
Genome position (GRCh38, 1-based): chr1:225,937,665, A>C on the plus strand (T>G on the coding strand, the complement: LEFTY2 is on the minus strand). VCF-style: chr1-225937665-A-C. GRCh37 (hg19) VCF-style: chr1-226125365-A-C.
Other names: c.775T>G, p.Cys259Gly (NM_001172425.3); short protein forms C293G, C259G.
Identifiers: ClinVar variation 2958178 (VCV002958178.3), dbSNP rs750002080, ClinGen allele CA1420457.

ClinVar aggregate classification (germline): Uncertain significance (1 of 4 stars; one submission).

Conditions:
Left-right axis malformations. Identifiers: MedGen C1866091.

Allele frequency attached by ClinVar (database versions not stated): ExAC 0.00001.

Submission:

Labcorp Genetics (formerly Invitae), Labcorp
Classification: Uncertain significance for Left-right axis malformations. Last evaluated: 2022-12-13. Review status: criteria provided, single submitter. Criteria: Invitae Variant Classification Sherloc (09022015). Collection method: clinical testing. Allele origin: germline.
Comment: This variant has not been reported in the literature in individuals affected with LEFTY2-related conditions. This sequence change replaces cysteine, which is neutral and slightly polar, with glycine, which is neutral and non-polar, at codon 293 of the LEFTY2 protein (p.Cys293Gly). This variant is present in population databases (rs750002080, gnomAD 0.0009%). Advanced modeling of protein sequence and biophysical properties (such as structural, functional, and spatial information, amino acid conservation, physicochemical variation, residue mobility, and thermodynamic stability) performed at Invitae indicates that this missense variant is expected to disrupt LEFTY2 protein function. In summary, the available evidence is currently insufficient to determine the role of this variant in disease. Therefore, it has been classified as a Variant of Uncertain Significance.